The following is an entry in ClinVar:

NM_002087.4(GRN):c.701T>G (p.Met234Arg)

Genes: GRN (granulin precursor; plus strand), LOC125177489 (Sharpr-MPRA regulatory region 15390; plus strand). Cytogenetic location: 17q21.31.
Variant type: single nucleotide variant.
Coding change: c.701T>G on transcript NM_002087.4 (MANE Select); coding-DNA position 701, T replaced by G.
Protein change: p.Met234Arg; replaces methionine 234 with arginine.
Molecular consequence: missense variant.
Genome position (GRCh38, 1-based): chr17:44,350,793, T>G. VCF-style: chr17-44350793-T-G. GRCh37 (hg19) VCF-style: chr17-42428161-T-G.
Other names: short protein forms M234R.
Identifiers: ClinVar variation 1425831 (VCV001425831.6), dbSNP rs2143335468, ClinGen allele CA399764497.

ClinVar aggregate classification (germline): Uncertain significance (1 of 4 stars; one submission).

Conditions:
Neuronal ceroid lipofuscinosis 11. Also called: GRN-Related Neuronal Ceroid-Lipofuscinosis. Identifiers: Orphanet 314629, Orphanet 79262, MedGen C3539123, MONDO:0013866, OMIM 614706.
GRN-related frontotemporal lobar degeneration with Tdp43 inclusions (FTD2). Also called: DEMENTIA, HEREDITARY DYSPHASIC DISINHIBITION; FRONTOTEMPORAL LOBAR DEGENERATION WITH UBIQUITIN-POSITIVE INCLUSIONS; FTLD-TDP, GRN-RELATED; GRN Frontotemporal Dementia; FRONTOTEMPORAL DEMENTIA WITH TDP43 INCLUSIONS, GRN-RELATED. Identifiers: Orphanet 100070, Orphanet 282, MedGen C1843792, MONDO:0011842, OMIM 607485. Disease mechanism: loss of function.

Submission:

Labcorp Genetics (formerly Invitae), Labcorp
Classification: Uncertain significance for Neuronal ceroid lipofuscinosis 11; GRN-related frontotemporal lobar degeneration with Tdp43 inclusions. Last evaluated: 2021-11-13. Review status: criteria provided, single submitter. Criteria: Invitae Variant Classification Sherloc (09022015). Collection method: clinical testing. Allele origin: germline.
Comment: This sequence change replaces methionine, which is neutral and non-polar, with arginine, which is basic and polar, at codon 234 of the GRN protein (p.Met234Arg). In summary, the available evidence is currently insufficient to determine the role of this variant in disease. Therefore, it has been classified as a Variant of Uncertain Significance. Algorithms developed to predict the effect of missense changes on protein structure and function are either unavailable or do not agree on the potential impact of this missense change (SIFT: "Deleterious"; PolyPhen-2: "Possibly Damaging"; Align-GVGD: "Class C0"). This variant has not been reported in the literature in individuals affected with GRN-related conditions. This variant is not present in population databases (gnomAD no frequency).